The following is an entry in ClinVar:

ClinVar aggregate classification (germline): Uncertain significance (1 of 4 stars; one submission).

Conditions:
KSR2-related disorder. Also called: KSR2-related condition.

gnomAD v4.1: 45 of 1,606,178 alleles (0.0028%); highest among the groups gnomAD compares: South Asian, 0.0044%; no homozygotes.

Submission:

PreventionGenetics, part of Exact Sciences
Classification: Uncertain significance for KSR2-related condition. Last evaluated: 2026-06-30. Review status: criteria provided, single submitter. Criteria: ACMG Guidelines, 2015. Collection method: clinical testing. Allele origin: germline.
Comment: The KSR2 c.1573C>T variant is predicted to result in the amino acid substitution p.Arg525Trp. To our knowledge, this variant has not been reported in the literature. This variant is reported in 0.0067% of alleles in individuals of South Asian descent in gnomAD. At this time, the clinical significance of this variant is uncertain due to the absence of conclusive functional and genetic evidence.

NM_173598.6(KSR2):c.1660C>T (p.Arg554Trp)

Gene: KSR2 (kinase suppressor of ras 2; minus strand). Cytogenetic location: 12q24.22.
Variant type: single nucleotide variant.
Coding change: c.1660C>T on transcript NM_173598.6 (MANE Select); coding-DNA position 1660, C replaced by T.
Protein change: p.Arg554Trp; replaces arginine 554 with tryptophan.
Molecular consequence: missense variant.
Genome position (GRCh38, 1-based): chr12:117,539,746, G>A on the plus strand (C>T on the coding strand, the complement: KSR2 is on the minus strand). VCF-style: chr12-117539746-G-A. GRCh37 (hg19) VCF-style: chr12-117977551-G-A.
Other names: short protein forms R554W.
Identifiers: ClinVar variation 4980391 (VCV004980391.1).